The following is an entry in ClinVar:

ClinVar aggregate classification (germline): Uncertain significance (1 of 4 stars; one submission).

Conditions:
Familial thoracic aortic aneurysm and aortic dissection (TAAD). Also called: Thoracic aortic aneurysms and dissections. Identifiers: Orphanet 91387, MedGen C4707243, MONDO:0019625.

Submission:

Ambry Genetics
Classification: Uncertain significance for Familial thoracic aortic aneurysm and aortic dissection. Last evaluated: 2026-05-14. Review status: criteria provided, single submitter. Criteria: Ambry Variant Classification Scheme 2023. Collection method: clinical testing. Allele origin: germline.
Comment: The p.R51S variant (also known as c.151C>A), located in coding exon 1 of the FLNA gene, results from a C to A substitution at nucleotide position 151. The arginine at codon 51 is replaced by serine, an amino acid with dissimilar properties. This amino acid position is conserved. In addition, this alteration is predicted to be deleterious by in silico analysis. Based on the available evidence, the clinical significance of this variant remains unclear.

NM_001110556.2(FLNA):c.151C>A (p.Arg51Ser)

Gene: FLNA (filamin A; minus strand). Cytogenetic location: Xq28.
Variant type: single nucleotide variant.
Coding change: c.151C>A on transcript NM_001110556.2 (MANE Select); coding-DNA position 151, C replaced by A.
Protein change: p.Arg51Ser; replaces arginine 51 with serine.
Molecular consequence: missense variant.
Genome position (GRCh38, 1-based): chrX:154,371,095, G>T on the plus strand (C>A on the coding strand, the complement: FLNA is on the minus strand). VCF-style: chrX-154371095-G-T. GRCh37 (hg19) VCF-style: chrX-153599463-G-T.
Other names: c.151C>A, p.Arg51Ser (NM_001456.4); short protein forms R51S.
Identifiers: ClinVar variation 4871430 (VCV004871430.1).